The following is an entry in ClinVar:

ClinVar aggregate classification (germline): Uncertain significance (1 of 4 stars; one submission).

gnomAD v4.1: 5 of 1,540,606 alleles (0.00032%); highest among the groups gnomAD compares: Admixed American, 0.0059%; no homozygotes.

Submission:

Labcorp Genetics (formerly Invitae), Labcorp
Classification: Uncertain significance. Last evaluated: 2021-08-02. Review status: criteria provided, single submitter. Criteria: Invitae Variant Classification Sherloc (09022015). Collection method: clinical testing. Allele origin: germline.
Comment: In summary, the available evidence is currently insufficient to determine the role of this variant in disease. Therefore, it has been classified as a Variant of Uncertain Significance. Algorithms developed to predict the effect of missense changes on protein structure and function (SIFT, PolyPhen-2, Align-GVGD) all suggest that this variant is likely to be tolerated. This variant has not been reported in the literature in individuals affected with LRRC56-related conditions. This variant is not present in population databases (ExAC no frequency). This sequence change replaces alanine with glutamic acid at codon 251 of the LRRC56 protein (p.Ala251Glu). The alanine residue is weakly conserved and there is a moderate physicochemical difference between alanine and glutamic acid.

NM_198075.4(LRRC56):c.752C>A (p.Ala251Glu)

Gene: LRRC56 (leucine rich repeat containing 56; plus strand). Cytogenetic location: 11p15.5.
Variant type: single nucleotide variant.
Coding change: c.752C>A on transcript NM_198075.4 (MANE Select); coding-DNA position 752, C replaced by A.
Protein change: p.Ala251Glu; replaces alanine 251 with glutamic acid.
Molecular consequence: missense variant.
Genome position (GRCh38, 1-based): chr11:551,258, C>A. VCF-style: chr11-551258-C-A. GRCh37 (hg19) VCF-style: chr11-551258-C-A.
Other names: short protein forms A251E.
Identifiers: ClinVar variation 1491236 (VCV001491236.5), dbSNP rs781231221, ClinGen allele CA378944626.